The following is an entry in ClinVar:

NM_002470.4(MYH3):c.5675C>T (p.Ala1892Val)

Gene: MYH3 (myosin heavy chain 3; minus strand). Cytogenetic location: 17p13.1.
Variant type: single nucleotide variant.
Coding change: c.5675C>T on transcript NM_002470.4 (MANE Select); coding-DNA position 5675, C replaced by T.
Protein change: p.Ala1892Val; replaces alanine 1892 with valine.
Molecular consequence: missense variant.
Genome position (GRCh38, 1-based): chr17:10,629,718, G>A on the plus strand (C>T on the coding strand, the complement: MYH3 is on the minus strand). VCF-style: chr17-10629718-G-A. GRCh37 (hg19) VCF-style: chr17-10533035-G-A.
Other names: short protein forms A1892V.
Identifiers: ClinVar variation 4811428 (VCV004811428.1).

ClinVar aggregate classification (germline): Uncertain significance (1 of 4 stars; one submission).

gnomAD v4.1: 5 of 1,614,236 alleles (0.00031%); highest among the groups gnomAD compares: Non-Finnish European, 0.00034%; no homozygotes.

Submission:

Labcorp Genetics (formerly Invitae), Labcorp
Classification: Uncertain significance. Last evaluated: 2025-09-03. Review status: criteria provided, single submitter. Criteria: Invitae Variant Classification Sherloc (09022015). Collection method: clinical testing. Allele origin: germline.
Comment: This sequence change replaces alanine, which is neutral and non-polar, with valine, which is neutral and non-polar, at codon 1892 of the MYH3 protein (p.Ala1892Val). This variant is present in population databases (rs754458917, gnomAD 0.003%). This variant has not been reported in the literature in individuals affected with MYH3-related conditions. Invitae Evidence Modeling of protein sequence and biophysical properties (such as structural, functional, and spatial information, amino acid conservation, physicochemical variation, residue mobility, and thermodynamic stability) indicates that this missense variant is not expected to disrupt MYH3 protein function with a negative predictive value of 95%. In summary, the available evidence is currently insufficient to determine the role of this variant in disease. Therefore, it has been classified as a Variant of Uncertain Significance.